The following is an entry in ClinVar:

NM_153676.4(USH1C):c.36+214C>T

Gene: USH1C (USH1 protein network component harmonin; minus strand). Cytogenetic location: 11p15.1.
Variant type: single nucleotide variant.
Coding change: c.36+214C>T on transcript NM_153676.4 (MANE Select); 214 bases into the intron after coding-DNA position 36, C replaced by T.
Molecular consequence: intron variant.
Genome position (GRCh38, 1-based): chr11:17,544,058, G>A on the plus strand (C>T on the coding strand, the complement: USH1C is on the minus strand). VCF-style: chr11-17544058-G-A. GRCh37 (hg19) VCF-style: chr11-17565605-G-A.
Other names: c.36+214C>T (NM_001297764.2, NM_005709.4).
Identifiers: ClinVar variation 678905 (VCV000678905.4), dbSNP rs7125811, ClinGen allele CA13478884.

ClinVar aggregate classification (germline): Benign. Review status: criteria provided, multiple submitters, no conflicts (2 of 4 stars). 3 submissions from 2 submitters: Benign (3). Last evaluated 2021-07-10.

Conditions:
Autosomal recessive nonsyndromic hearing loss 18A. Also called: DEAFNESS, AUTOSOMAL RECESSIVE 18; Deafness, autosomal recessive 18A. Identifiers: Orphanet 90636, MedGen C1865870, MONDO:0011192, OMIM 602092.
Usher syndrome type 1C. Also called: USHER SYNDROME, TYPE I, ACADIAN VARIETY. Identifiers: Orphanet 231169, Orphanet 886, MedGen C1848604, MONDO:0010171, OMIM 276904.

Allele frequency attached by ClinVar (database versions not stated): gnomAD 0.39120 and 0.39186; TOPMed 0.39502; 1000 Genomes Project 30x 0.40818; 1000 Genomes Project 0.40895.
gnomAD v4.1: 59,469 of 152,140 alleles (39%); highest among the groups gnomAD compares: East Asian, 54%; 11,680 homozygotes.

Submissions (3):

Genome-Nilou Lab
Classification: Benign for Usher syndrome type 1C. Last evaluated: 2021-07-10. Review status: criteria provided, single submitter. Criteria: ACMG Guidelines, 2015. Collection method: clinical testing. Allele origin: germline. Affected: no.

Genome-Nilou Lab
Classification: Benign for Autosomal recessive nonsyndromic hearing loss 18A. Last evaluated: 2021-07-10. Review status: criteria provided, single submitter. Criteria: ACMG Guidelines, 2015. Collection method: clinical testing. Allele origin: germline. Affected: no.

GeneDx
Classification: Benign. Last evaluated: 2018-06-14. Review status: criteria provided, single submitter. Criteria: GeneDx Variant Classification (06012015). Collection method: clinical testing. Allele origin: germline. Affected: yes.
Comment: This variant is considered likely benign or benign based on one or more of the following criteria: it is a conservative change, it occurs at a poorly conserved position in the protein, it is predicted to be benign by multiple in silico algorithms, and/or has population frequency not consistent with disease.